The following is an entry in ClinVar:

ClinVar aggregate classification (germline): Likely benign (1 of 4 stars; one submission).

Submission:

CeGaT Center for Human Genetics Tuebingen
Classification: Likely benign. Last evaluated: 2025-03-01. Review status: criteria provided, single submitter. Criteria: CeGaT Center For Human Genetics Tuebingen Variant Classification Criteria Version 2. Collection method: clinical testing. Allele origin: germline. Affected: yes. Observed: 1 variant allele.
Comment: SHOC1: BP4, BP7

NM_001378211.1(SHOC1):c.3480C>T (p.Ile1160=)

Gene: SHOC1 (shortage in chiasmata 1; minus strand). Cytogenetic location: 9q31.3.
Variant type: single nucleotide variant.
Coding change: c.3480C>T on transcript NM_001378211.1 (MANE Select); coding-DNA position 3480, C replaced by T.
Protein change: p.Ile1160=; no amino-acid change (isoleucine 1160 retained).
Molecular consequence: synonymous variant. On other transcripts: non-coding transcript variant (1).
Genome position (GRCh38, 1-based): chr9:111,692,497, G>A on the plus strand (C>T on the coding strand, the complement: SHOC1 is on the minus strand). VCF-style: chr9-111692497-G-A. GRCh37 (hg19) VCF-style: chr9-114454777-G-A.
Other names: c.3171C>T, p.Ile1057= (NM_001080551.3); c.3066C>T, p.Ile1022= (NM_001378212.1); c.3288C>T, p.Ile1096= (NM_173521.5).
Identifiers: ClinVar variation 3777969 (VCV003777969.7).